The following is an entry in ClinVar:

ClinVar aggregate classification (germline): Conflicting classifications of pathogenicity. Review status: criteria provided, conflicting classifications (1 of 4 stars). 3 submissions from 3 submitters: Uncertain significance (2); Likely benign (1). Last evaluated 2025-12-02.

Conditions:
Hereditary cancer-predisposing syndrome. Also called: Neoplastic Syndromes, Hereditary; Tumor predisposition; Hereditary Cancer Syndrome; Hereditary neoplastic syndrome. Identifiers: Orphanet 140162, MedGen C0027672, MeSH D009386, MONDO:0015356.
Hereditary breast ovarian cancer syndrome. Also called: Hereditary breast and ovarian cancer syndrome; Hereditary breast and ovarian cancer; Hereditary breast and ovarian cancer syndrome (HBOC); Breast and ovarian cancer; Hereditary breast and/or ovarian cancer syndrome; BRCA1- and BRCA2-Associated Hereditary Breast and Ovarian Cancer. Identifiers: Orphanet 145, MedGen C0677776, MeSH D061325, MONDO:0003582. Disease mechanism: loss of function.

Submissions (3):

Labcorp Genetics (formerly Invitae), Labcorp
Classification: Uncertain significance for Hereditary breast ovarian cancer syndrome. Last evaluated: 2025-12-02. Review status: criteria provided, single submitter. Criteria: Invitae Variant Classification Sherloc (09022015). Collection method: clinical testing. Allele origin: germline.
Comment: This sequence change replaces serine, which is neutral and polar, with asparagine, which is neutral and polar, at codon 1263 of the BRCA2 protein (p.Ser1263Asn). This variant is not present in population databases (gnomAD no frequency). This variant has not been reported in the literature in individuals affected with BRCA2-related conditions. ClinVar contains an entry for this variant (Variation ID: 483096). Invitae Evidence Modeling of protein sequence and biophysical properties (such as structural, functional, and spatial information, amino acid conservation, physicochemical variation, residue mobility, and thermodynamic stability) indicates that this missense variant is not expected to disrupt BRCA2 protein function with a negative predictive value of 95%. In summary, the available evidence is currently insufficient to determine the role of this variant in disease. Therefore, it has been classified as a Variant of Uncertain Significance.

Ambry Genetics
Classification: Uncertain significance for Hereditary cancer-predisposing syndrome. Last evaluated: 2023-11-22. Review status: criteria provided, single submitter. Criteria: Ambry Variant Classification Scheme 2023. Collection method: clinical testing. Allele origin: germline.
Comment: The p.S1263N variant (also known as c.3788G>A), located in coding exon 10 of the BRCA2 gene, results from a G to A substitution at nucleotide position 3788. The serine at codon 1263 is replaced by asparagine, an amino acid with highly similar properties. This amino acid position is not well conserved in available vertebrate species. In addition, this alteration is predicted to be tolerated by in silico analysis. Since supporting evidence is limited at this time, the clinical significance of this alteration remains unclear.

University of Washington Department of Laboratory Medicine, University of Washington
Classification: Likely benign for Hereditary cancer-predisposing syndrome. Last evaluated: 2023-03-23. Review status: criteria provided, single submitter. Criteria: Dines et al. (Genet Med. 2020). Collection method: curation. Allele origin: germline.
Comment: Missense variant in a coldspot region where missense variants are very unlikely to be pathogenic (PMID:31911673).

BRCA2 exon 11 coldspot. Reclassification based on statistical prior probability.

NM_000059.4(BRCA2):c.3788G>A (p.Ser1263Asn)

Gene: BRCA2 (BRCA2 DNA repair associated; plus strand). Cytogenetic location: 13q13.1.
Variant type: single nucleotide variant.
Coding change: c.3788G>A on transcript NM_000059.4 (MANE Select); coding-DNA position 3788, G replaced by A.
Protein change: p.Ser1263Asn; replaces serine 1263 with asparagine.
Molecular consequence: missense variant.
Genome position (GRCh38, 1-based): chr13:32,338,143, G>A. VCF-style: chr13-32338143-G-A. GRCh37 (hg19) VCF-style: chr13-32912280-G-A.
Other names: short protein forms S1263N.
Identifiers: ClinVar variation 483096 (VCV000483096.28), dbSNP rs1555283398, ClinGen allele CA387778357.